The following is an entry in ClinVar:

ClinVar aggregate classification (germline): Uncertain significance (1 of 4 stars; one submission).

gnomAD v4.1: 1 of 1,614,054 alleles (0.000062%); highest among the groups gnomAD compares: East Asian, 0.0022%; no homozygotes.

Submission:

Labcorp Genetics (formerly Invitae), Labcorp
Classification: Uncertain significance. Last evaluated: 2025-10-13. Review status: criteria provided, single submitter. Criteria: Invitae Variant Classification Sherloc (09022015). Collection method: clinical testing. Allele origin: germline.
Comment: This sequence change replaces alanine, which is neutral and non-polar, with glycine, which is neutral and non-polar, at codon 1061 of the KANK1 protein (p.Ala1061Gly). This variant is not present in population databases (gnomAD no frequency). This variant has not been reported in the literature in individuals affected with KANK1-related conditions. ClinVar contains an entry for this variant (Variation ID: 3618347). Invitae Evidence Modeling of protein sequence and biophysical properties (such as structural, functional, and spatial information, amino acid conservation, physicochemical variation, residue mobility, and thermodynamic stability) indicates that this missense variant is not expected to disrupt KANK1 protein function with a negative predictive value of 80%. In summary, the available evidence is currently insufficient to determine the role of this variant in disease. Therefore, it has been classified as a Variant of Uncertain Significance.

NM_015158.5(KANK1):c.3182C>G (p.Ala1061Gly)

Gene: KANK1 (KN motif and ankyrin repeat domains 1; plus strand). Cytogenetic location: 9p24.3.
Variant type: single nucleotide variant.
Coding change: c.3182C>G on transcript NM_015158.5 (MANE Select); coding-DNA position 3182, C replaced by G.
Protein change: p.Ala1061Gly; replaces alanine 1061 with glycine.
Molecular consequence: missense variant. On other transcripts: intron variant (5).
Genome position (GRCh38, 1-based): chr9:732,554, C>G. VCF-style: chr9-732554-C-G. GRCh37 (hg19) VCF-style: chr9-732554-C-G.
Other names: c.2708C>G, p.Ala903Gly (NM_001354341.2, NM_153186.6, NM_001354333.2 and 2 more transcripts); c.2654C>G, p.Ala885Gly (NM_001354344.2, NM_001354338.2, NM_001354340.2); c.3005+1288C>G (NM_001354331.2); c.2477+1288C>G (NM_001354336.2); c.2531+1288C>G (NM_001354339.2, NM_001354343.2, NM_001354342.2); c.3182C>G, p.Ala1061Gly (NM_001256876.3, NM_001256877.3, NM_001354334.2); c.3128C>G, p.Ala1043Gly (NM_001354332.2); short protein forms A1043G, A1061G, A885G, A903G.
Identifiers: ClinVar variation 3618347 (VCV003618347.2).